The following is an entry in ClinVar:

NM_173660.5(DOK7):c.101-26G>A

Gene: DOK7 (docking protein 7; plus strand). Cytogenetic location: 4p16.3.
Variant type: single nucleotide variant.
Coding change: c.101-26G>A on transcript NM_173660.5 (MANE Select); 26 bases into the intron before coding-DNA position 101, G replaced by A.
Molecular consequence: intron variant.
Genome position (GRCh38, 1-based): chr4:3,473,380, G>A. VCF-style: chr4-3473380-G-A. GRCh37 (hg19) VCF-style: chr4-3475107-G-A.
Other names: c.101-26G>A (NM_001301071.2, NM_001164673.2); c.100+9829G>A (NM_001363811.2).
Identifiers: ClinVar variation 262864 (VCV000262864.3), dbSNP rs2344208, ClinGen allele CA2828870.

ClinVar aggregate classification (germline): Benign. Review status: criteria provided, multiple submitters, no conflicts (2 of 4 stars). 3 submissions from 3 submitters: Benign (3). Last evaluated 2018-06-19.

Allele frequency attached by ClinVar (database versions not stated): ESP Exome Variant Server 0.22228; 1000 Genomes Project 30x 0.14694; 1000 Genomes Project 0.13878.
gnomAD v4.1: 222,794 of 1,607,292 alleles (14%); highest among the groups gnomAD compares: African/African-American, 26%; 16,968 homozygotes.

Submissions (3):

GeneDx
Classification: Benign. Last evaluated: 2018-06-19. Review status: criteria provided, single submitter. Criteria: GeneDx Variant Classification (06012015). Collection method: clinical testing. Allele origin: germline. Affected: yes.
Comment: This variant is considered likely benign or benign based on one or more of the following criteria: it is a conservative change, it occurs at a poorly conserved position in the protein, it is predicted to be benign by multiple in silico algorithms, and/or has population frequency not consistent with disease.

Breakthrough Genomics
Classification: Benign. Review status: criteria provided, single submitter. Criteria: ACMG Guidelines, 2015. Collection method: not provided. Allele origin: germline. Inheritance: Autosomal recessive inheritance. Affected: yes.

PreventionGenetics, part of Exact Sciences
Classification: Benign. Review status: criteria provided, single submitter. Criteria: ACMG Guidelines, 2015. Collection method: clinical testing. Allele origin: germline.